The following is an entry in ClinVar:

ClinVar aggregate classification (germline): Likely benign (1 of 4 stars; one submission).

Allele frequency attached by ClinVar (database versions not stated): gnomAD exomes 0.00015; gnomAD 0.00019; TOPMed 0.00021; ExAC 0.00027; 1000 Genomes Project 30x 0.00156; 1000 Genomes Project 0.00180.
gnomAD v4.1: 270 of 1,613,830 alleles (0.017%); highest among the groups gnomAD compares: Middle Eastern, 0.12%; 2 homozygotes.

Submission:

CeGaT Center for Human Genetics Tuebingen
Classification: Likely benign. Last evaluated: 2022-12-01. Review status: criteria provided, single submitter. Criteria: CeGaT Center For Human Genetics Tuebingen Variant Classification Criteria Version 2. Collection method: clinical testing. Allele origin: germline. Affected: yes. Observed: 1 variant allele.
Comment: USP6: BP4, BP7

NM_001304284.2(USP6):c.1377G>A (p.Thr459=)

Gene: USP6 (ubiquitin specific peptidase 6; plus strand). Cytogenetic location: 17p13.2.
Variant type: single nucleotide variant.
Coding change: c.1377G>A on transcript NM_001304284.2 (MANE Select); coding-DNA position 1377, G replaced by A.
Protein change: p.Thr459=; no amino-acid change (threonine 459 retained).
Molecular consequence: synonymous variant.
Genome position (GRCh38, 1-based): chr17:5,139,553, G>A. VCF-style: chr17-5139553-G-A. GRCh37 (hg19) VCF-style: chr17-5042848-G-A.
Other names: c.1377G>A, p.Thr459= (NM_001039674.1, NM_004505.4).
Identifiers: ClinVar variation 2647291 (VCV002647291.24), dbSNP rs61761605, ClinGen allele CA8321348.